The following is an entry in ClinVar:

ClinVar aggregate classification (germline): Pathogenic/Likely pathogenic. Review status: criteria provided, multiple submitters, no conflicts (2 of 4 stars). 3 submissions from 3 submitters: Pathogenic (2); Likely pathogenic (1). Last evaluated 2025-09-09.

Conditions:
Hurler syndrome. Also called: Severe MPS I (Hurler Syndrome); Gargoylism, Hurler Syndrome; MUCOPOLYSACCHARIDOSIS TYPE IH. Identifiers: Orphanet 93473, MedGen C0086795, MONDO:0011758, OMIM 607014.
Mucopolysaccharidosis, MPS-I-H/S. Also called: Mucopolysaccharidosis type IH/S. Identifiers: Orphanet 93476, MedGen C0086431, MONDO:0011759, OMIM 607015.
Mucopolysaccharidosis, MPS-I-S. Also called: MPS V; MUCOPOLYSACCHARIDOSIS TYPE V; Scheie Syndrome; MUCOPOLYSACCHARIDOSIS TYPE IS. Identifiers: Orphanet 93474, MedGen C0026708, MONDO:0011760, OMIM 607016.
Mucopolysaccharidosis type 1. Also called: IDUA deficiency; MPS I; Mucopolysaccharidosis Type I. Identifiers: Orphanet 579, MedGen C0023786, MONDO:0001586.

Submissions (3):

Myriad Genetics, Inc.
Classification: Pathogenic for Mucopolysaccharidosis type 1. Last evaluated: 2025-09-09. Review status: criteria provided, single submitter. Criteria: Myriad Autosomal Dominant, Autosomal Recessive and X-Linked Classification Criteria (2023). Collection method: clinical testing. Allele origin: unknown.
Comment: NM_000203.3(IDUA):c.1815dupT(V606Cfs*53) is a frameshift variant that results in protein elongation classified as pathogenic in the context of mucopolysaccharidosis type I. V606Cfs*53 has been observed in cases with relevant disease (PMID: 31758674, 36184100). Relevant functional assessments of this variant are not available in the literature. V606Cfs*53 has not been observed in referenced population frequency databases. In summary, NM_000203.3(IDUA):c.1815dupT(V606Cfs*53) is a frameshift variant that results in protein elongation in a gene where loss of function is a known mechanism of disease, is predicted to disrupt protein function, and has been observed more frequently in cases with the relevant disease than in healthy populations. Please note: this variant was assessed in the context of healthy population screening.

Fulgent Genetics
Classification: Likely pathogenic for Hurler syndrome; Mucopolysaccharidosis, MPS-I-H/S; Mucopolysaccharidosis, MPS-I-S. Last evaluated: 2024-06-12. Review status: criteria provided, single submitter. Criteria: ACMG Guidelines, 2015. Collection method: clinical testing. Allele origin: germline.

Labcorp Genetics (formerly Invitae), Labcorp
Classification: Pathogenic for Mucopolysaccharidosis type 1. Last evaluated: 2021-09-30. Review status: criteria provided, single submitter. Criteria: Invitae Variant Classification Sherloc (09022015). Collection method: clinical testing. Allele origin: germline.
Comment: This frameshift has been observed in individual(s) with clinical features of mucopolysaccharidosis type I (PMID: 31758674). In at least one individual the data is consistent with the variant being in trans (on the opposite chromosome) from a pathogenic variant. It has also been observed to segregate with disease in related individuals. This variant is not present in population databases (ExAC no frequency). This sequence change results in a frameshift in the IDUA gene (p.Val606Cysfs*53). While this is not anticipated to result in nonsense mediated decay, it is expected to disrupt the last 48 amino acid(s) of the IDUA protein and extend the protein by 4 additional amino acid residues. This variant disrupts a region of the IDUA protein in which other variant(s) (p.Ser633Leu) have been determined to be pathogenic (PMID: 11735025, 16438163, 21480867, 26825088, 27146977). This suggests that this is a clinically significant region of the protein, and that variants that disrupt it are likely to be disease-causing. For these reasons, this variant has been classified as Pathogenic.

Literature cited by the submitters: PubMed 31758674 (cited by Myriad Genetics, Inc. and Labcorp Genetics (formerly Invitae), Labcorp); PubMed 36184100 (cited by Myriad Genetics, Inc.); PubMed 11735025 (cited by Labcorp Genetics (formerly Invitae), Labcorp); PubMed 16438163 (cited by Labcorp Genetics (formerly Invitae), Labcorp); PubMed 21480867 (cited by Labcorp Genetics (formerly Invitae), Labcorp); PubMed 26825088 (cited by Labcorp Genetics (formerly Invitae), Labcorp); PubMed 27146977 (cited by Labcorp Genetics (formerly Invitae), Labcorp).

NM_000203.5(IDUA):c.1815dup (p.Val606fs)

Gene: IDUA (alpha-L-iduronidase; plus strand). Cytogenetic location: 4p16.3.
Variant type: Duplication.
Coding change: c.1815dup on transcript NM_000203.5 (MANE Select); coding-DNA position 1815, one base duplicated (T; older notation c.1815dupT).
Protein change: p.Val606fs; shifts the reading frame from valine 606.
Molecular consequence: frameshift variant. On other transcripts: non-coding transcript variant (1).
Genome position (GRCh38, 1-based): chr4:1,004,099, T duplicated; the last of 3 consecutive T bases (chr4:1,004,097-1,004,099); duplicating any one gives the same sequence. VCF-style (leftmost placement, unchanged base first): chr4-1004096-C-CT. GRCh37 (hg19) VCF-style: chr4-997884-C-CT.
Other names: c.1419dup, p.Val474fs (NM_001363576.1); short protein forms V606fs, V474fs.
Identifiers: ClinVar variation 1454082 (VCV001454082.8), dbSNP rs2153023210, ClinGen allele CA2573137507.